The following is an entry in ClinVar:

NM_015331.3(NCSTN):c.240G>T (p.Glu80Asp)

Gene: NCSTN (nicastrin; plus strand). Cytogenetic location: 1q23.2.
Variant type: single nucleotide variant.
Coding change: c.240G>T on transcript NM_015331.3 (MANE Select); coding-DNA position 240, G replaced by T.
Protein change: p.Glu80Asp; replaces glutamic acid 80 with aspartic acid.
Molecular consequence: missense variant.
Genome position (GRCh38, 1-based): chr1:160,349,048, G>T. VCF-style: chr1-160349048-G-T. GRCh37 (hg19) VCF-style: chr1-160318838-G-T.
Other names: c.180G>T, p.Glu60Asp (NM_001290184.2); c.240G>T, p.Glu80Asp (NM_001290186.2, NM_001349729.2); short protein forms E80D, E60D.
Identifiers: ClinVar variation 1520468 (VCV001520468.8), dbSNP rs963615974, ClinGen allele CA343276592.

ClinVar aggregate classification (germline): Uncertain significance (1 of 4 stars; one submission).

Submission:

Labcorp Genetics (formerly Invitae), Labcorp
Classification: Uncertain significance. Last evaluated: 2025-06-30. Review status: criteria provided, single submitter. Criteria: Invitae Variant Classification Sherloc (09022015). Collection method: clinical testing. Allele origin: germline.
Comment: This sequence change replaces glutamic acid, which is acidic and polar, with aspartic acid, which is acidic and polar, at codon 80 of the NCSTN protein (p.Glu80Asp). This variant is not present in population databases (gnomAD no frequency). This variant has not been reported in the literature in individuals affected with NCSTN-related conditions. ClinVar contains an entry for this variant (Variation ID: 1520468). Invitae Evidence Modeling of protein sequence and biophysical properties (such as structural, functional, and spatial information, amino acid conservation, physicochemical variation, residue mobility, and thermodynamic stability) indicates that this missense variant is not expected to disrupt NCSTN protein function with a negative predictive value of 80%. In summary, the available evidence is currently insufficient to determine the role of this variant in disease. Therefore, it has been classified as a Variant of Uncertain Significance.